The following is an entry in ClinVar:

ClinVar aggregate classification (germline): Pathogenic. Review status: criteria provided, multiple submitters, no conflicts (2 of 4 stars). 2 submissions from 2 submitters: Pathogenic (2). Last evaluated 2026-05-13.

Conditions:
Asphyxiating thoracic dystrophy 3. Also called: SHORT-RIB THORACIC DYSPLASIA 3 WITH OR WITHOUT POLYDACTYLY; POLYDACTYLY WITH NEONATAL CHONDRODYSTROPHY, TYPE I; SHORT-RIB THORACIC DYSPLASIA 3/6 WITH POLYDACTYLY, DIGENIC; Short rib polydactyly syndrome 2B; Saldino-Noonan Syndrome. Identifiers: Orphanet 474, Orphanet 93269, Orphanet 93270, Orphanet 93271, MedGen C0036069, MONDO:0013127, OMIM 613091.
Jeune thoracic dystrophy. Also called: Jeune syndrome; Infantile thoracic dystrophy; Thoracic pelvic phalangeal dystrophy; Jeune's syndrome; Chondroectodermal dysplasia-like syndrome; Short-rib thoracic dysplasia. Identifiers: Orphanet 474, MedGen C0265275, MONDO:0018770.

Allele frequency attached by ClinVar (database versions not stated): gnomAD exomes 0.00001; gnomAD 0.00001.
gnomAD v4.1: 7 of 1,572,378 alleles (0.00045%); highest among the groups gnomAD compares: Admixed American, 0.0019%; no homozygotes.

Submissions (2):

Myriad Genetics, Inc.
Classification: Pathogenic for Asphyxiating thoracic dystrophy 3. Last evaluated: 2026-05-13. Review status: criteria provided, single submitter. Criteria: Myriad Autosomal Dominant, Autosomal Recessive and X-Linked Classification Criteria (2023). Collection method: clinical testing. Allele origin: unknown.
Comment: NM_001377.2(DYNC2H1):c.3509T>G(L1170*) is expected to be pathogenic in the context of DYNC2H1-related disorders. This variant is predicted to lead to an abnormal or absent protein product due to the creation of a premature termination codon in DYNC2H1, a gene where loss-of-function variants are known to be pathogenic. Please note: this variant was assessed in the context of healthy population screening.

Labcorp Genetics (formerly Invitae), Labcorp
Classification: Pathogenic for Jeune thoracic dystrophy. Last evaluated: 2023-09-03. Review status: criteria provided, single submitter. Criteria: Invitae Variant Classification Sherloc (09022015). Collection method: clinical testing. Allele origin: germline.
Comment: This sequence change creates a premature translational stop signal (p.Leu1170*) in the DYNC2H1 gene. It is expected to result in an absent or disrupted protein product. Loss-of-function variants in DYNC2H1 are known to be pathogenic (PMID: 23339108, 32753734, 33755199). This variant is present in population databases (no rsID available, gnomAD 0.004%). This variant has not been reported in the literature in individuals affected with DYNC2H1-related conditions. For these reasons, this variant has been classified as Pathogenic.

Literature cited by the submitters: PubMed 23339108 (cited by Labcorp Genetics (formerly Invitae), Labcorp); PubMed 32753734 (cited by Labcorp Genetics (formerly Invitae), Labcorp); PubMed 33755199 (cited by Labcorp Genetics (formerly Invitae), Labcorp).

NM_001377.3(DYNC2H1):c.3509T>G (p.Leu1170Ter)

Gene: DYNC2H1 (dynein cytoplasmic 2 heavy chain 1; plus strand). Cytogenetic location: 11q22.3.
Variant type: single nucleotide variant.
Coding change: c.3509T>G on transcript NM_001377.3 (MANE Select); coding-DNA position 3509, T replaced by G.
Protein change: p.Leu1170Ter; replaces leucine 1170 with a stop codon.
Molecular consequence: nonsense.
Genome position (GRCh38, 1-based): chr11:103,154,745, T>G. VCF-style: chr11-103154745-T-G. GRCh37 (hg19) VCF-style: chr11-103025474-T-G.
Other names: c.3509T>G, p.Leu1170Ter (NM_001080463.2); short protein forms L1170*.
Identifiers: ClinVar variation 2804987 (VCV002804987.4), dbSNP rs1289864888, ClinGen allele CA382273397.